The following is an entry in ClinVar:

ClinVar aggregate classification (germline): Pathogenic (1 of 4 stars; one submission).

Conditions:
Bardet-Biedl syndrome (BBS). Identifiers: Orphanet 110, MedGen C0752166, MONDO:0015229.

Submission:

Labcorp Genetics (formerly Invitae), Labcorp
Classification: Pathogenic for Bardet-Biedl syndrome. Last evaluated: 2024-01-02. Review status: criteria provided, single submitter. Criteria: Invitae Variant Classification Sherloc (09022015). Collection method: clinical testing. Allele origin: unknown.
Comment: This variant is a gross deletion of the genomic region encompassing exon(s) 9 of the BBS4 gene. This deletion is out-of-frame, and is expected to create a premature termination codon and result in an absent or disrupted protein product. Loss-of-function variants in BBS4 are known to be pathogenic (PMID: 11381270, 12016587, 20177705, 27894351). This variant has not been reported in the literature in individuals affected with BBS4-related conditions. For these reasons, this variant has been classified as Pathogenic.

Literature cited by the submitters: PubMed 11381270; PubMed 12016587; PubMed 20177705; PubMed 27894351.

NC_000015.9:g.(?_73020261)_(73020355_?)del

Gene: BBS4 (Bardet-Biedl syndrome 4; plus strand). Cytogenetic location: 15q24.1.
Variant type: Deletion.
Identifiers: ClinVar variation 3243768 (VCV003243768.1).